The following is an entry in ClinVar:

ClinVar aggregate classification (germline): Pathogenic (1 of 4 stars; one submission).

Submission:

CeGaT Center for Human Genetics Tuebingen
Classification: Pathogenic. Last evaluated: 2024-02-01. Review status: criteria provided, single submitter. Criteria: CeGaT Center For Human Genetics Tuebingen Variant Classification Criteria Version 2. Collection method: clinical testing. Allele origin: germline. Affected: yes. Observed: 1 variant allele.
Comment: IFNGR1: PVS1, PM2

NM_000416.3(IFNGR1):c.218G>A (p.Trp73Ter)

Gene: IFNGR1 (interferon gamma receptor 1; minus strand). Cytogenetic location: 6q23.3.
Variant type: single nucleotide variant.
Coding change: c.218G>A on transcript NM_000416.3 (MANE Select); coding-DNA position 218, G replaced by A.
Protein change: p.Trp73Ter; replaces tryptophan 73 with a stop codon.
Molecular consequence: nonsense.
Genome position (GRCh38, 1-based): chr6:137,206,291, C>T on the plus strand (G>A on the coding strand, the complement: IFNGR1 is on the minus strand). VCF-style: chr6-137206291-C-T. GRCh37 (hg19) VCF-style: chr6-137527428-C-T.
Other names: c.188G>A, p.Trp63Ter (NM_001363526.1); c.95G>A, p.Trp32Ter (NM_001363527.1); short protein forms W32*, W63*, W73*.
Identifiers: ClinVar variation 3026973 (VCV003026973.22), dbSNP rs2548235597, ClinGen allele CA365775930.
Genomic context (GRCh38, chr6:137,206,291, plus strand): 5'-TCACCAACATGATCAGAAATATTACAATAATGATGAGAAATATTGATGCAGGCATCAATC[C>T]ATTCTGAATTCTTAACACTAAAAAGAATAAAAAAATGCGAAGATAACTTTTATTGTTATT-3'